The following is an entry in ClinVar:

NM_001372.4(DNAH9):c.3823A>G (p.Ile1275Val)

Gene: DNAH9 (dynein axonemal heavy chain 9; plus strand). Cytogenetic location: 17p12.
Variant type: single nucleotide variant.
Coding change: c.3823A>G on transcript NM_001372.4 (MANE Select); coding-DNA position 3823, A replaced by G.
Protein change: p.Ile1275Val; replaces isoleucine 1275 with valine.
Molecular consequence: missense variant.
Genome position (GRCh38, 1-based): chr17:11,689,645, A>G. VCF-style: chr17-11689645-A-G. GRCh37 (hg19) VCF-style: chr17-11592962-A-G.
Other names: short protein forms I1275V.
Identifiers: ClinVar variation 1905504 (VCV001905504.5), dbSNP rs2074298655, ClinGen allele CA398185803.

ClinVar aggregate classification (germline): Uncertain significance (1 of 4 stars; one submission).

Allele frequency attached by ClinVar (database versions not stated): gnomAD exomes below 0.00001; TOPMed below 0.00001.
gnomAD v4.1: 1 of 1,614,112 alleles (0.000062%); highest among the groups gnomAD compares: Admixed American, 0.0017%; no homozygotes.

Submission:

Labcorp Genetics (formerly Invitae), Labcorp
Classification: Uncertain significance. Last evaluated: 2022-04-06. Review status: criteria provided, single submitter. Criteria: Invitae Variant Classification Sherloc (09022015). Collection method: clinical testing. Allele origin: germline.
Comment: This sequence change replaces isoleucine, which is neutral and non-polar, with valine, which is neutral and non-polar, at codon 1275 of the DNAH9 protein (p.Ile1275Val). In summary, the available evidence is currently insufficient to determine the role of this variant in disease. Therefore, it has been classified as a Variant of Uncertain Significance. Algorithms developed to predict the effect of missense changes on protein structure and function (SIFT, PolyPhen-2, Align-GVGD) all suggest that this variant is likely to be tolerated. This variant has not been reported in the literature in individuals affected with DNAH9-related conditions. This variant is not present in population databases (gnomAD no frequency).